The following is an entry in ClinVar:

NM_003718.5(CDK13):c.886C>T (p.Pro296Ser)

Gene: CDK13 (cyclin dependent kinase 13; plus strand). Cytogenetic location: 7p14.1.
Variant type: single nucleotide variant.
Coding change: c.886C>T on transcript NM_003718.5 (MANE Select); coding-DNA position 886, C replaced by T.
Protein change: p.Pro296Ser; replaces proline 296 with serine.
Molecular consequence: missense variant.
Genome position (GRCh38, 1-based): chr7:39,951,527, C>T. VCF-style: chr7-39951527-C-T. GRCh37 (hg19) VCF-style: chr7-39991126-C-T.
Other names: c.886C>T, p.Pro296Ser (NM_031267.4); short protein forms P296S.
Identifiers: ClinVar variation 4868596 (VCV004868596.1).

ClinVar aggregate classification (germline): Uncertain significance (1 of 4 stars; one submission).

Conditions:
Inborn genetic diseases. Identifiers: MedGen C0950123, MeSH D030342.

gnomAD v4.1: 4 of 1,530,788 alleles (0.00026%); highest among the groups gnomAD compares: Non-Finnish European, 0.00035%; no homozygotes.

Submission:

Ambry Genetics
Classification: Uncertain significance for Inborn genetic diseases. Last evaluated: 2026-06-09. Review status: criteria provided, single submitter. Criteria: Ambry Variant Classification Scheme 2023. Collection method: clinical testing. Allele origin: germline.
Comment: The c.886C>T (p.P296S) alteration is located in exon 1 (coding exon 1) of the CDK13 gene. This alteration results from a C to T substitution at nucleotide position 886, causing the proline (P) at amino acid position 296 to be replaced by a serine (S). Based on data from gnomAD, the T allele has an overall frequency of 0.003% (1/31378) total alleles studied. The highest observed frequency was <0.001% (/) of alleles. Based on insufficient or conflicting evidence, the clinical significance of this alteration remains unclear.